The following is an entry in ClinVar:

NM_001040142.2(SCN2A):c.2842T>C (p.Trp948Arg)

Gene: SCN2A (sodium voltage-gated channel alpha subunit 2; plus strand). Cytogenetic location: 2q24.3.
Variant type: single nucleotide variant.
Coding change: c.2842T>C on transcript NM_001040142.2 (MANE Select); coding-DNA position 2842, T replaced by C.
Protein change: p.Trp948Arg; replaces tryptophan 948 with arginine.
Molecular consequence: missense variant.
Genome position (GRCh38, 1-based): chr2:165,344,834, T>C. VCF-style: chr2-165344834-T-C. GRCh37 (hg19) VCF-style: chr2-166201344-T-C.
Other names: c.2842T>C, p.Trp948Arg (NM_001040143.2, NM_001371246.1, NM_001371247.1 and 1 more transcripts); short protein forms W948R.
Identifiers: ClinVar variation 1209483 (VCV001209483.3), dbSNP rs2105319097, ClinGen allele CA349016063.

ClinVar aggregate classification (germline): Likely pathogenic (1 of 4 stars; one submission).

Submission:

GeneDx
Classification: Likely pathogenic. Last evaluated: 2019-12-13. Review status: criteria provided, single submitter. Criteria: GeneDx Variant Classification Process June 2021. Collection method: clinical testing. Allele origin: germline. Affected: yes.
Comment: Not observed in large population cohorts (Lek et al., 2016); The majority of missense variants in this gene are considered pathogenic (Stenson et al., 2014); In silico analysis, which includes protein predictors and evolutionary conservation, supports a deleterious effect; Has not been previously published as pathogenic or benign to our knowledge